The following is an entry in ClinVar:

NM_001127178.3(PIGG):c.1502G>C (p.Cys501Ser)

Gene: PIGG (phosphatidylinositol glycan anchor biosynthesis class G (EMM blood group); plus strand). Cytogenetic location: 4p16.3.
Variant type: single nucleotide variant.
Coding change: c.1502G>C on transcript NM_001127178.3 (MANE Select); coding-DNA position 1502, G replaced by C.
Protein change: p.Cys501Ser; replaces cysteine 501 with serine.
Molecular consequence: missense variant. On other transcripts: 3 prime UTR variant (2), 5 prime UTR variant (2), non-coding transcript variant (10).
Genome position (GRCh38, 1-based): chr4:521,829, G>C. VCF-style: chr4-521829-G-C. GRCh37 (hg19) VCF-style: chr4-515618-G-C.
Other names: c.1235G>C, p.Cys412Ser (NM_001289051.2, NM_001289053.2, NM_001345986.2); c.1103G>C, p.Cys368Ser (NM_001289052.2); c.*64G>C (NM_001289055.2); c.*117G>C (NM_001289057.2); c.1211G>C, p.Cys404Ser (NM_001345987.2); c.473G>C, p.Cys158Ser (NM_001345988.2); c.1502G>C, p.Cys501Ser (NM_001345989.2); c.-32G>C (NM_001345990.2, NM_001345991.2); and 2 more; short protein forms C501S, C135S, C158S, C493S, C404S, C368S, C412S.
Identifiers: ClinVar variation 565963 (VCV000565963.9), dbSNP rs1560334514, ClinGen allele CA355904802.
Genomic context (GRCh38, chr4:521,829, plus strand): 5'-TGGTTCTTTCGGCCGTTCACGTCATTGTGTGCACCTCAGCTGAAAGTTCGTGCTACTTCT[G>C]TGGCCTCTCGTGGCTGGCGGCAGGTGGGGTGATGGTGCTGGCCTCGGCGCTGCTGTGTGT-3'
Protein context (NP_001120650.1, residues 491-511): CTSAESSCYF[Cys501Ser]GLSWLAAGGV

ClinVar aggregate classification (germline): Uncertain significance (1 of 4 stars; one submission).

Conditions:
Intellectual disability, autosomal recessive 53 (NEDHSCA). Also called: NEURODEVELOPMENTAL DISORDER WITH OR WITHOUT HYPOTONIA, SEIZURES, AND CEREBELLAR ATROPHY; GLYCOSYLPHOSPHATIDYLINOSITOL BIOSYNTHESIS DEFECT 13; Mental retardation, autosomal recessive 53. Identifiers: Orphanet 488635, MedGen C4310794, MONDO:0014832, OMIM 616917.

Submission:

Labcorp Genetics (formerly Invitae), Labcorp
Classification: Uncertain significance for Intellectual disability, autosomal recessive 53. Last evaluated: 2020-01-15. Review status: criteria provided, single submitter. Criteria: Invitae Variant Classification Sherloc (09022015). Collection method: clinical testing. Allele origin: germline.
Comment: In summary, the available evidence is currently insufficient to determine the role of this variant in disease. Therefore, it has been classified as a Variant of Uncertain Significance. Algorithms developed to predict the effect of missense changes on protein structure and function are either unavailable or do not agree on the potential impact of this missense change (SIFT: "Deleterious"; PolyPhen-2: "Probably Damaging"; Align-GVGD: "Class C0"). This variant has not been reported in the literature in individuals with PIGG-related disease. This variant is not present in population databases (ExAC no frequency). This sequence change replaces cysteine with serine at codon 501 of the PIGG protein (p.Cys501Ser). The cysteine residue is moderately conserved and there is a moderate physicochemical difference between cysteine and serine.